The following is an entry in ClinVar:

ClinVar aggregate classification (germline): Uncertain significance. Review status: criteria provided, multiple submitters, no conflicts (2 of 4 stars). 2 submissions from 2 submitters: Uncertain significance (2). Last evaluated 2025-12-09.

Conditions:
Immunodeficiency, common variable, 10. Also called: IMMUNODEFICIENCY, COMMON VARIABLE, WITH CENTRAL ADRENAL INSUFFICIENCY; DEFICIT IN ANTERIOR PITUITARY FUNCTION AND VARIABLE IMMUNODEFICIENCY. Identifiers: MedGen C3809991, MONDO:0014260, OMIM 615577.

Allele frequency attached by ClinVar (database versions not stated): ExAC 0.00002; gnomAD 0.00002; TOPMed 0.00002; gnomAD exomes 0.00003.
gnomAD v4.1: 42 of 1,611,966 alleles (0.0026%); highest among the groups gnomAD compares: East Asian, 0.011%; no homozygotes.

Submissions (2):

Labcorp Genetics (formerly Invitae), Labcorp
Classification: Uncertain significance for Immunodeficiency, common variable, 10. Last evaluated: 2025-12-09. Review status: criteria provided, single submitter. Criteria: Invitae Variant Classification Sherloc (09022015). Collection method: clinical testing. Allele origin: germline.
Comment: This sequence change replaces asparagine, which is neutral and polar, with serine, which is neutral and polar, at codon 21 of the NFKB2 protein (p.Asn21Ser). This variant is present in population databases (rs577190240, gnomAD 0.01%). This variant has not been reported in the literature in individuals affected with NFKB2-related conditions. ClinVar contains an entry for this variant (Variation ID: 1497588). An algorithm developed to predict the effect of missense changes on protein structure and function outputs the following: PolyPhen-2: "Benign". The serine amino acid residue is found in multiple mammalian species, which suggests that this missense change does not adversely affect protein function. In summary, the available evidence is currently insufficient to determine the role of this variant in disease. Therefore, it has been classified as a Variant of Uncertain Significance.

CeGaT Center for Human Genetics Tuebingen
Classification: Uncertain significance. Last evaluated: 2025-01-01. Review status: criteria provided, single submitter. Criteria: CeGaT Center For Human Genetics Tuebingen Variant Classification Criteria Version 2. Collection method: clinical testing. Allele origin: germline. Affected: yes. Observed: 1 variant allele.
Comment: NFKB2: PP2, BP4

NM_001322934.2(NFKB2):c.62A>G (p.Asn21Ser)

Genes: NFKB2 (nuclear factor kappa B subunit 2; plus strand), LOC130004598 (ATAC-STARR-seq lymphoblastoid active region 3929; plus strand). Cytogenetic location: 10q24.32.
Variant type: single nucleotide variant.
Coding change: c.62A>G on transcript NM_001322934.2 (MANE Select); coding-DNA position 62, A replaced by G.
Protein change: p.Asn21Ser; replaces asparagine 21 with serine.
Molecular consequence: missense variant.
Genome position (GRCh38, 1-based): chr10:102,396,293, A>G. VCF-style: chr10-102396293-A-G. GRCh37 (hg19) VCF-style: chr10-104156050-A-G.
Other names: c.62A>G, p.Asn21Ser (NM_001077494.3, NM_001261403.3, NM_001288724.1 and 2 more transcripts); short protein forms N21S.
Identifiers: ClinVar variation 1497588 (VCV001497588.21), dbSNP rs577190240, ClinGen allele CA5664431.